The following is an entry in ClinVar:

ClinVar aggregate classification (germline): Uncertain significance (1 of 4 stars; one submission).

Conditions:
Nephronophthisis. Also called: Juvenile Nephronophthisis. Identifiers: Orphanet 655, MedGen C0687120, MONDO:0019005, HP:0000090.
Meckel-Gruber syndrome. Also called: DYSENCEPHALIA SPLANCHNOCYSTICA; GRUBER SYNDROME; Dysencephalia splachnocystica. Identifiers: Orphanet 564, MedGen C0265215, MONDO:0018921.
Joubert syndrome. Also called: CEREBELLOPARENCHYMAL DISORDER IV; JOUBERT-BOLTSHAUSER SYNDROME; Familial aplasia of the vermis. Identifiers: Orphanet 475, MedGen C5979921, MONDO:0018772.

Allele frequency attached by ClinVar (database versions not stated): gnomAD exomes below 0.00001.
gnomAD v4.1: 1 of 1,524,836 alleles (0.000066%); highest among the groups gnomAD compares: Non-Finnish European, 0.000088%; no homozygotes.

Submission:

Labcorp Genetics (formerly Invitae), Labcorp
Classification: Uncertain significance for Joubert syndrome; Meckel-Gruber syndrome; Nephronophthisis. Last evaluated: 2022-03-09. Review status: criteria provided, single submitter. Criteria: Invitae Variant Classification Sherloc (09022015). Collection method: clinical testing. Allele origin: germline.
Comment: In summary, the available evidence is currently insufficient to determine the role of this variant in disease. Therefore, it has been classified as a Variant of Uncertain Significance. Algorithms developed to predict the effect of missense changes on protein structure and function are either unavailable or do not agree on the potential impact of this missense change (SIFT: "Deleterious"; PolyPhen-2: "Possibly Damaging"; Align-GVGD: "Class C0"). This variant has not been reported in the literature in individuals affected with CEP290-related conditions. This variant is not present in population databases (gnomAD no frequency). This sequence change replaces glutamic acid, which is acidic and polar, with lysine, which is basic and polar, at codon 2169 of the CEP290 protein (p.Glu2169Lys).

NM_025114.4(CEP290):c.6505G>A (p.Glu2169Lys)

Gene: CEP290 (centrosomal protein 290; minus strand). Cytogenetic location: 12q21.32.
Variant type: single nucleotide variant.
Coding change: c.6505G>A on transcript NM_025114.4 (MANE Select); coding-DNA position 6505, G replaced by A.
Protein change: p.Glu2169Lys; replaces glutamic acid 2169 with lysine.
Molecular consequence: missense variant.
Genome position (GRCh38, 1-based): chr12:88,060,847, C>T on the plus strand (G>A on the coding strand, the complement: CEP290 is on the minus strand). VCF-style: chr12-88060847-C-T. GRCh37 (hg19) VCF-style: chr12-88454624-C-T.
Other names: short protein forms E2169K.
Identifiers: ClinVar variation 1461255 (VCV001461255.6), dbSNP rs2136748183, ClinGen allele CA385978516.